The following is an entry in ClinVar:

ClinVar aggregate classification (germline): Uncertain significance (1 of 4 stars; one submission).

Conditions:
Dilated cardiomyopathy 1HH (CMD1HH). Identifiers: Orphanet 154, MedGen C3151293, MONDO:0013479, OMIM 613881.
Myofibrillar myopathy 6. Identifiers: Orphanet 199340, MedGen C2751831, MONDO:0013061, OMIM 612954.

gnomAD v4.1: 1 of 1,614,170 alleles (0.000062%); highest among the groups gnomAD compares: Admixed American, 0.0017%; no homozygotes.

Submission:

Labcorp Genetics (formerly Invitae), Labcorp
Classification: Uncertain significance for Dilated cardiomyopathy 1HH; Myofibrillar myopathy 6. Last evaluated: 2025-04-20. Review status: criteria provided, single submitter. Criteria: Invitae Variant Classification Sherloc (09022015). Collection method: clinical testing. Allele origin: germline.
Comment: This sequence change replaces serine, which is neutral and polar, with arginine, which is basic and polar, at codon 513 of the BAG3 protein (p.Ser513Arg). This variant is not present in population databases (gnomAD no frequency). This variant has not been reported in the literature in individuals affected with BAG3-related conditions. Invitae Evidence Modeling of protein sequence and biophysical properties (such as structural, functional, and spatial information, amino acid conservation, physicochemical variation, residue mobility, and thermodynamic stability) indicates that this missense variant is not expected to disrupt BAG3 protein function with a negative predictive value of 80%. In summary, the available evidence is currently insufficient to determine the role of this variant in disease. Therefore, it has been classified as a Variant of Uncertain Significance.

NM_004281.4(BAG3):c.1539C>G (p.Ser513Arg)

Gene: BAG3 (BAG cochaperone 3; plus strand). Cytogenetic location: 10q26.11.
Variant type: single nucleotide variant.
Coding change: c.1539C>G on transcript NM_004281.4 (MANE Select); coding-DNA position 1539, C replaced by G.
Protein change: p.Ser513Arg; replaces serine 513 with arginine.
Molecular consequence: missense variant.
Genome position (GRCh38, 1-based): chr10:119,677,093, C>G. VCF-style: chr10-119677093-C-G. GRCh37 (hg19) VCF-style: chr10-121436605-C-G.
Other names: short protein forms S513R.
Identifiers: ClinVar variation 4791454 (VCV004791454.1).